The following is an entry in ClinVar:

ClinVar aggregate classification (germline): Uncertain significance (1 of 4 stars; one submission).

Allele frequency attached by ClinVar (database versions not stated): gnomAD exomes 0.00001; TOPMed 0.00001.
gnomAD v4.1: 8 of 1,612,108 alleles (0.0005%); highest among the groups gnomAD compares: Non-Finnish European, 0.00068%; no homozygotes.

Submission:

Labcorp Genetics (formerly Invitae), Labcorp
Classification: Uncertain significance. Last evaluated: 2022-06-05. Review status: criteria provided, single submitter. Criteria: Invitae Variant Classification Sherloc (09022015). Collection method: clinical testing. Allele origin: germline.
Comment: This sequence change replaces glutamic acid, which is acidic and polar, with glycine, which is neutral and non-polar, at codon 93 of the AHR protein (p.Glu93Gly). This variant is not present in population databases (gnomAD no frequency). This variant has not been reported in the literature in individuals affected with AHR-related conditions. ClinVar contains an entry for this variant (Variation ID: 1468038). Algorithms developed to predict the effect of missense changes on protein structure and function (SIFT, PolyPhen-2, Align-GVGD) all suggest that this variant is likely to be tolerated. In summary, the available evidence is currently insufficient to determine the role of this variant in disease. Therefore, it has been classified as a Variant of Uncertain Significance.

NM_001621.5(AHR):c.278A>G (p.Glu93Gly)

Gene: AHR (aryl hydrocarbon receptor; plus strand). Cytogenetic location: 7p21.1.
Variant type: single nucleotide variant.
Coding change: c.278A>G on transcript NM_001621.5 (MANE Select); coding-DNA position 278, A replaced by G.
Protein change: p.Glu93Gly; replaces glutamic acid 93 with glycine.
Molecular consequence: missense variant.
Genome position (GRCh38, 1-based): chr7:17,322,525, A>G. VCF-style: chr7-17322525-A-G. GRCh37 (hg19) VCF-style: chr7-17362149-A-G.
Other names: short protein forms E93G.
Identifiers: ClinVar variation 1468038 (VCV001468038.6), dbSNP rs1782184945, ClinGen allele CA366890009.